The following is an entry in ClinVar:

ClinVar aggregate classification (germline): Conflicting classifications of pathogenicity. Review status: criteria provided, conflicting classifications (1 of 4 stars). 3 submissions from 3 submitters: Likely pathogenic (1); Uncertain significance (2). Last evaluated 2025-09-05.

Conditions:
Inborn genetic diseases. Identifiers: MedGen C0950123, MeSH D030342.

Submissions (3):

Ambry Genetics
Classification: Likely pathogenic for Inborn genetic diseases. Last evaluated: 2025-09-05. Review status: criteria provided, single submitter. Criteria: Ambry Variant Classification Scheme 2023. Collection method: clinical testing. Allele origin: germline.
Comment: The c.67G>A (p.G23R) alteration is located in exon 2 (coding exon 2) of the RORB gene. This alteration results from a G to A substitution at nucleotide position 67, causing the glycine (G) at amino acid position 23 to be replaced by an arginine (R). The Genome Aggregation Database (gnomAD) data for this variant is unreliable due to technical and/or biological issues, therefore population frequency estimates were not considered. This amino acid position is highly conserved in available vertebrate species. This missense alteration is located in a region that has a low rate of benign missense variation (Lek, 2016; Firth, 2009). This alteration is predicted to be deleterious by in silico analysis. Based on the available evidence, this alteration is classified as likely pathogenic.

Labcorp Genetics (formerly Invitae), Labcorp
Classification: Uncertain significance. Last evaluated: 2023-12-15. Review status: criteria provided, single submitter. Criteria: Invitae Variant Classification Sherloc (09022015). Collection method: clinical testing. Allele origin: germline.
Comment: This sequence change replaces glycine, which is neutral and non-polar, with arginine, which is basic and polar, at codon 23 of the RORB protein (p.Gly23Arg). This variant is not present in population databases (gnomAD no frequency). This missense change has been observed in individuals with RORB-related conditions (Invitae). ClinVar contains an entry for this variant (Variation ID: 1410644). An algorithm developed to predict the effect of missense changes on protein structure and function (PolyPhen-2) suggests that this variant is likely to be disruptive. In summary, the available evidence is currently insufficient to determine the role of this variant in disease. Therefore, it has been classified as a Variant of Uncertain Significance.

GeneDx
Classification: Uncertain significance. Last evaluated: 2023-05-18. Review status: criteria provided, single submitter. Criteria: GeneDx Variant Classification Process June 2021. Collection method: clinical testing. Allele origin: germline. Affected: yes.
Comment: Not observed at significant frequency in large population cohorts (gnomAD); In silico analysis supports that this missense variant has a deleterious effect on protein structure/function; Has not been previously published as pathogenic or benign to our knowledge

NM_006914.4(RORB):c.67G>A (p.Gly23Arg)

Gene: RORB (RAR related orphan receptor B; plus strand). Cytogenetic location: 9q21.13.
Variant type: single nucleotide variant.
Coding change: c.67G>A on transcript NM_006914.4 (MANE Select); coding-DNA position 67, G replaced by A.
Protein change: p.Gly23Arg; replaces glycine 23 with arginine.
Molecular consequence: missense variant.
Genome position (GRCh38, 1-based): chr9:74,630,341, G>A. VCF-style: chr9-74630341-G-A. GRCh37 (hg19) VCF-style: chr9-77245257-G-A.
Other names: c.100G>A, p.Gly34Arg (NM_001365023.1); c.67G>A (NM_006914.3); short protein forms G34R, G23R.
Identifiers: ClinVar variation 1410644 (VCV001410644.7), dbSNP rs1182545971, ClinGen allele CA373771999.